The following is an entry in ClinVar:

NM_001242957.3(MAK):c.271A>G (p.Lys91Glu)

Gene: MAK (male germ cell associated kinase; minus strand). Cytogenetic location: 6p24.2.
Variant type: single nucleotide variant.
Coding change: c.271A>G on transcript NM_001242957.3 (MANE Select); coding-DNA position 271, A replaced by G.
Protein change: p.Lys91Glu; replaces lysine 91 with glutamic acid.
Molecular consequence: missense variant. On other transcripts: non-coding transcript variant (2).
Genome position (GRCh38, 1-based): chr6:10,817,857, T>C on the plus strand (A>G on the coding strand, the complement: MAK is on the minus strand). VCF-style: chr6-10817857-T-C. GRCh37 (hg19) VCF-style: chr6-10818090-T-C.
Other names: c.271A>G, p.Lys91Glu (NM_001242385.2, NM_005906.6); c.169A>G, p.Lys57Glu (NM_001377262.1); c.271A>G (NM_005906.4); short protein forms K91E, K57E.
Identifiers: ClinVar variation 1378546 (VCV001378546.5), dbSNP rs769859859, ClinGen allele CA3633780.

ClinVar aggregate classification (germline): Uncertain significance. Review status: criteria provided, multiple submitters, no conflicts (2 of 4 stars). 3 submissions from 3 submitters: Uncertain significance (3). Last evaluated 2025-09-28.

Conditions:
Inborn genetic diseases. Identifiers: MedGen C0950123, MeSH D030342.

Allele frequency attached by ClinVar (database versions not stated): gnomAD exomes below 0.00001; ExAC 0.00001.
gnomAD v4.1: 2 of 1,489,164 alleles (0.00013%); highest among the groups gnomAD compares: East Asian, 0.0024%; no homozygotes.

Submissions (3):

Ambry Genetics
Classification: Uncertain significance for Inborn genetic diseases. Last evaluated: 2025-09-28. Review status: criteria provided, single submitter. Criteria: Ambry Variant Classification Scheme 2023. Collection method: clinical testing. Allele origin: germline.

Blueprint Genetics
Classification: Uncertain significance. Last evaluated: 2022-09-06. Review status: criteria provided, single submitter. Criteria: ACMG Guidelines, 2015. Collection method: clinical testing. Allele origin: germline.

Labcorp Genetics (formerly Invitae), Labcorp
Classification: Uncertain significance. Last evaluated: 2021-08-29. Review status: criteria provided, single submitter. Criteria: Invitae Variant Classification Sherloc (09022015). Collection method: clinical testing. Allele origin: germline.
Comment: This sequence change replaces lysine with glutamic acid at codon 91 of the MAK protein (p.Lys91Glu). The lysine residue is highly conserved and there is a small physicochemical difference between lysine and glutamic acid. This variant is present in population databases (rs769859859, ExAC 0.01%). This variant has not been reported in the literature in individuals affected with MAK-related conditions. Experimental studies and prediction algorithms are not available or were not evaluated, and the functional significance of this variant is currently unknown. In summary, the available evidence is currently insufficient to determine the role of this variant in disease. Therefore, it has been classified as a Variant of Uncertain Significance.